The following is an entry in ClinVar:

ClinVar aggregate classification (germline): Uncertain significance. Review status: criteria provided, multiple submitters, no conflicts (2 of 4 stars). 2 submissions from 2 submitters: Uncertain significance (2). Last evaluated 2026-05-06.

Conditions:
H syndrome. Also called: Histiocytosis with joint contractures and sensorineural deafness; Hyperpigmentation, Cutaneous, with Hypertrichosis, Hepatosplenomegaly, Heart Anomalies, Hearing Loss, and Hypogonadism; HISTIOCYTOSIS AND LYMPHADENOPATHY WITH OR WITHOUT CUTANEOUS, CARDIAC, AND/OR ENDOCRINE FEATURES, JOINT CONTRACTURES, AND/OR DEAFNESS; HYPERPIGMENTATION, CUTANEOUS, WITH HYPERTRICHOSIS, HEPATOSPLENOMEGALY, HEART ANOMALIES, AND HYPOGONADISM WITH OR WITHOUT HEARING LOSS; PIGMENTED HYPERTRICHOSIS WITH INSULIN-DEPENDENT DIABETES MELLITUS; ROSAI-DORFMAN DISEASE, FAMILIAL. Identifiers: Orphanet 168569, MedGen C1864445, MONDO:0011273, OMIM 602782.
SLC29A3-related disorder. Also called: SLC29A3-related condition.

Allele frequency attached by ClinVar (database versions not stated): TOPMed 0.00014; 1000 Genomes Project 30x 0.00016; gnomAD 0.00016 and 0.00017; ExAC 0.00059.
gnomAD v4.1: 166 of 632,112 alleles (0.026%); highest among the groups gnomAD compares: Non-Finnish European, 0.035%; no homozygotes.

Submissions (2):

PreventionGenetics, part of Exact Sciences
Classification: Uncertain significance for SLC29A3-related condition. Last evaluated: 2026-05-06. Review status: criteria provided, single submitter. Criteria: ACMG Guidelines, 2015. Collection method: clinical testing. Allele origin: germline.
Comment: The SLC29A3 c.-23C>T variant is located in the 5' untranslated region. To our knowledge, this variant has not been reported in the literature. This variant is reported in 0.035% of alleles in individuals of European (Non-Finnish) descent in gnomAD. This variant is located in the 5'UTR of the SLC29A3 gene. This variant has been reported once in ClinVar as a variant of uncertain significance (ID:300356) and other 5' UTR variants have been reported as either benign or of uncertain significance. At this time, the clinical significance of this variant is uncertain due to the absence of conclusive functional and genetic evidence.

Illumina Laboratory Services, Illumina
Classification: Uncertain significance for H syndrome. Last evaluated: 2018-01-13. Review status: criteria provided, single submitter. Criteria: ICSL Variant Classification Criteria 13 December 2019. Collection method: clinical testing. Allele origin: germline.

NM_018344.6(SLC29A3):c.-23C>T

Genes: SLC29A3 (solute carrier family 29 member 3; plus strand), LOC130004025 (ATAC-STARR-seq lymphoblastoid silent region 2461; plus strand). Cytogenetic location: 10q22.1.
Variant type: single nucleotide variant.
Coding change: c.-23C>T on transcript NM_018344.6 (MANE Select); 23 bases upstream of the start codon, C replaced by T.
Molecular consequence: 5 prime UTR variant. On other transcripts: non-coding transcript variant (2).
Genome position (GRCh38, 1-based): chr10:71,319,287, C>T. VCF-style: chr10-71319287-C-T. GRCh37 (hg19) VCF-style: chr10-73079044-C-T.
Other names: c.-23C>T (NM_001174098.2); c.-678C>T (NM_001363518.2).
Identifiers: ClinVar variation 300356 (VCV000300356.6), dbSNP rs771479944, ClinGen allele CA5542775.